The following is an entry in ClinVar:

ClinVar aggregate classification (germline): Likely benign (1 of 4 stars; one submission).

Submission:

CeGaT Center for Human Genetics Tuebingen
Classification: Likely benign. Last evaluated: 2022-09-01. Review status: criteria provided, single submitter. Criteria: CeGaT Center For Human Genetics Tuebingen Variant Classification Criteria Version 2. Collection method: clinical testing. Allele origin: germline. Affected: yes. Observed: 1 variant allele.
Comment: NKX2-3: PM2:Supporting, BP4, BP7, BS2

NM_145285.3(NKX2-3):c.846A>T (p.Ala282=)

Gene: NKX2-3 (NK2 homeobox 3; plus strand). Cytogenetic location: 10q24.2.
Variant type: single nucleotide variant.
Coding change: c.846A>T on transcript NM_145285.3 (MANE Select); coding-DNA position 846, A replaced by T.
Protein change: p.Ala282=; no amino-acid change (alanine 282 retained).
Molecular consequence: synonymous variant.
Genome position (GRCh38, 1-based): chr10:99,535,472, A>T. VCF-style: chr10-99535472-A-T. GRCh37 (hg19) VCF-style: chr10-101295229-A-T.
Identifiers: ClinVar variation 2640747 (VCV002640747.24), dbSNP rs1391888481, ClinGen allele CA471274970.
Genomic context (GRCh38, chr10:99,535,472, plus strand): 5'-CCCCGCCTACGGCTATGGGAACTCGGCCGCGGCCGCCGCCGCCGCCGCCGCCGCCGCCGC[A>T]GCAGCGGCGGCCTACAGCAGCAGCTATGGCTGTGCGTACCCGGCGGGCGGCGGCGGCGGC-3'
Protein context (NP_660328.2, residues 272-292): AAAAAAAAAA[Ala282=]AAAAYSSSYG